The following is an entry in ClinVar:

NM_014208.3(DSPP):c.412G>A (p.Gly138Arg)

Genes: DMP1-AS1 (DMP1 and DSPP antisense RNA 1; minus strand), DSPP (dentin sialophosphoprotein; plus strand). Cytogenetic location: 4q22.1.
Variant type: single nucleotide variant.
Coding change: c.412G>A on transcript NM_014208.3 (MANE Select); coding-DNA position 412, G replaced by A.
Protein change: p.Gly138Arg; replaces glycine 138 with arginine.
Molecular consequence: missense variant.
Genome position (GRCh38, 1-based): chr4:87,612,598, G>A. VCF-style: chr4-87612598-G-A. GRCh37 (hg19) VCF-style: chr4-88533750-G-A.
Other names: short protein forms G138R.
Identifiers: ClinVar variation 760963 (VCV000760963.12), dbSNP rs192767583, ClinGen allele CA3000890.

ClinVar aggregate classification (germline): Conflicting classifications of pathogenicity. Review status: criteria provided, conflicting classifications (1 of 4 stars). 5 submissions from 5 submitters: Uncertain significance (2); Likely benign (3). Last evaluated 2025-11-09.

Conditions:
Dentinogenesis imperfecta. Identifiers: Orphanet 49042, MedGen C0011436, MONDO:0018849, HP:0000703.
Inborn genetic diseases. Identifiers: MedGen C0950123, MeSH D030342.
DSPP-related disorder. Also called: DSPP-related condition.

Allele frequency attached by ClinVar (database versions not stated): gnomAD 0.00006 and 0.00007; gnomAD exomes 0.00008 and 0.00013; TOPMed 0.00009; ExAC 0.00015; 1000 Genomes Project 30x 0.00016; 1000 Genomes Project 0.00020.
gnomAD v4.1: 137 of 1,614,046 alleles (0.0085%); highest among the groups gnomAD compares: Middle Eastern, 0.033%; no homozygotes.

Submissions (5):

PreventionGenetics, part of Exact Sciences
Classification: Likely benign for DSPP-related condition. Last evaluated: 2025-11-09. Review status: criteria provided, single submitter. Criteria: ACMG Guidelines, 2015. Collection method: clinical testing. Allele origin: germline.
Comment: This variant is classified as likely benign based on ACMG/AMP sequence variant interpretation guidelines (Richards et al. 2015 PMID: 25741868, with internal and published modifications).

Ambry Genetics
Classification: Uncertain significance for Inborn genetic diseases. Last evaluated: 2025-09-22. Review status: criteria provided, single submitter. Criteria: Ambry Variant Classification Scheme 2023. Collection method: clinical testing. Allele origin: germline.

Labcorp Genetics (formerly Invitae), Labcorp
Classification: Likely benign. Last evaluated: 2025-03-17. Review status: criteria provided, single submitter. Criteria: Invitae Variant Classification Sherloc (09022015). Collection method: clinical testing. Allele origin: germline.

Blueprint Genetics
Classification: Likely benign. Last evaluated: 2024-09-02. Review status: criteria provided, single submitter. Criteria: ACMG Guidelines, 2015. Collection method: clinical testing. Allele origin: germline.

Department of Pathology and Laboratory Medicine, Sinai Health System
Classification: Uncertain significance for dentinogenesis imperfecta. Last evaluated: 2022-03-31. Review status: criteria provided, single submitter. Criteria: ACMG Guidelines, 2015. Collection method: research. Allele origin: germline.